The following is an entry in ClinVar:

NM_017534.6(MYH2):c.1174A>G (p.Ser392Gly)

Genes: MYH2 (myosin heavy chain 2; minus strand), MYHAS (myosin heavy chain gene cluster antisense RNA; plus strand). Cytogenetic location: 17p13.1.
Variant type: single nucleotide variant.
Coding change: c.1174A>G on transcript NM_017534.6 (MANE Select); coding-DNA position 1174, A replaced by G.
Protein change: p.Ser392Gly; replaces serine 392 with glycine.
Molecular consequence: missense variant.
Genome position (GRCh38, 1-based): chr17:10,539,536, T>C on the plus strand (A>G on the coding strand, the complement: MYH2 is on the minus strand). VCF-style: chr17-10539536-T-C. GRCh37 (hg19) VCF-style: chr17-10442853-T-C.
Other names: c.1174A>G, p.Ser392Gly (NM_001100112.2); short protein forms S392G.
Identifiers: ClinVar variation 837286 (VCV000837286.11), dbSNP rs139212712, ClinGen allele CA8391429.

ClinVar aggregate classification (germline): Conflicting classifications of pathogenicity. Review status: criteria provided, conflicting classifications (1 of 4 stars). 4 submissions from 4 submitters: Uncertain significance (3); Likely benign (1). Last evaluated 2026-01-27.

Conditions:
Inborn genetic diseases. Identifiers: MedGen C0950123, MeSH D030342.
Myopathy, proximal, and ophthalmoplegia (CMYO6). Also called: INCLUSION BODY MYOPATHY 3, AUTOSOMAL DOMINANT; MYOPATHY WITH CONGENITAL JOINT CONTRACTURES, OPHTHALMOPLEGIA, AND RIMMED VACUOLES; CONGENITAL MYOPATHY 6 WITH OPHTHALMOPLEGIA. Identifiers: Orphanet 363677, Orphanet 79091, MedGen C1854106, MONDO:0011577, OMIM 605637.

Allele frequency attached by ClinVar (database versions not stated): gnomAD exomes 0.00011 and 0.00026; ExAC 0.00012; gnomAD 0.00013 and 0.00014; ESP Exome Variant Server 0.00015; TOPMed 0.00015; 1000 Genomes Project 0.00020; 1000 Genomes Project 30x 0.00031.
gnomAD v4.1: 394 of 1,614,132 alleles (0.024%); highest among the groups gnomAD compares: Non-Finnish European, 0.032%; no homozygotes.

Submissions (4):

Labcorp Genetics (formerly Invitae), Labcorp
Classification: Uncertain significance for Myopathy, proximal, and ophthalmoplegia. Last evaluated: 2026-01-27. Review status: criteria provided, single submitter. Criteria: Invitae Variant Classification Sherloc (09022015). Collection method: clinical testing. Allele origin: germline.
Comment: This sequence change replaces serine, which is neutral and polar, with glycine, which is neutral and non-polar, at codon 392 of the MYH2 protein (p.Ser392Gly). This variant is present in population databases (rs139212712, gnomAD 0.02%). This variant has not been reported in the literature in individuals affected with MYH2-related conditions. ClinVar contains an entry for this variant (Variation ID: 837286). An algorithm developed to predict the effect of missense changes on protein structure and function outputs the following: PolyPhen-2: "Benign". The glycine amino acid residue is found in multiple mammalian species, which suggests that this missense change does not adversely affect protein function. In summary, the available evidence is currently insufficient to determine the role of this variant in disease. Therefore, it has been classified as a Variant of Uncertain Significance.

Ambry Genetics
Classification: Likely benign for Inborn genetic diseases. Last evaluated: 2024-04-23. Review status: criteria provided, single submitter. Criteria: Ambry Variant Classification Scheme 2023. Collection method: clinical testing. Allele origin: germline.

Revvity Omics, Revvity
Classification: Uncertain significance for Myopathy, proximal, and ophthalmoplegia. Last evaluated: 2022-07-05. Review status: criteria provided, single submitter. Criteria: ACMG Guidelines, 2015. Collection method: clinical testing. Allele origin: germline.

GeneDx
Classification: Uncertain significance. Last evaluated: 2022-05-31. Review status: criteria provided, single submitter. Criteria: GeneDx Variant Classification Process June 2021. Collection method: clinical testing. Allele origin: germline. Affected: yes.
Comment: In silico analysis supports that this missense variant does not alter protein structure/function; Has not been previously published as pathogenic or benign to our knowledge